The following is an entry in ClinVar:

ClinVar aggregate classification (germline): Uncertain significance. Review status: criteria provided, multiple submitters, no conflicts (2 of 4 stars). 2 submissions from 2 submitters: Uncertain significance (2). Last evaluated 2024-01-06.

Submissions (2):

Labcorp Genetics (formerly Invitae), Labcorp
Classification: Uncertain significance. Last evaluated: 2024-01-06. Review status: criteria provided, single submitter. Criteria: Invitae Variant Classification Sherloc (09022015). Collection method: clinical testing. Allele origin: germline.
Comment: This variant, c.1196_1198del, results in the deletion of 1 amino acid(s) of the ARID1B protein (p.Ala399del), but otherwise preserves the integrity of the reading frame. This variant is present in population databases (no rsID available, gnomAD 0.01%). This variant has not been reported in the literature in individuals affected with ARID1B-related conditions. Experimental studies and prediction algorithms are not available or were not evaluated, and the functional significance of this variant is currently unknown. In summary, the available evidence is currently insufficient to determine the role of this variant in disease. Therefore, it has been classified as a Variant of Uncertain Significance.

Blueprint Genetics
Classification: Uncertain significance. Last evaluated: 2022-08-16. Review status: criteria provided, single submitter. Criteria: ACMG Guidelines, 2015. Collection method: clinical testing. Allele origin: germline.

NM_001374828.1(ARID1B):c.1439CGG[2] (p.Ala482del)

Gene: ARID1B (AT-rich interaction domain 1B; plus strand). Cytogenetic location: 6q25.3.
Variant type: Microsatellite.
Coding change: c.1439CGG[2] on transcript NM_001374828.1 (MANE Select); two copies in a row of the 3-base unit CGG starting at c.1439; the reference has three copies in a row; one copy, 3 bases deleted.
Protein change: p.Ala482del; deletes alanine 482.
Molecular consequence: inframe deletion. On other transcripts: inframe indel (3).
Genome position (GRCh38, 1-based): chr6:156,779,125-156,779,127, CGG deleted; deleting any 3 consecutive bases within chr6:156,779,119-156,779,127 gives the same sequence; the position shown is the placement nearest the transcript's 3' end. VCF-style (leftmost placement, unchanged base first): chr6-156779118-TCGG-T. GRCh37 (hg19) VCF-style: chr6-157100252-TCGG-T.
Other names: c.1190_1192CGG[2], p.Ala399del (NM_001346813.1, NM_020732.3); c.1439CGG[2], p.Ala482del (NM_001371656.1, NM_001374820.1, NM_017519.3); c.1016_1018CGG[2], p.Ala341del (NM_175863.2); short protein forms A482del, A399del, A341del.
Identifiers: ClinVar variation 2732313 (VCV002732313.4), dbSNP rs1204244118, ClinGen allele CA571907177.